The following is an entry in ClinVar:

NM_138694.4(PKHD1):c.4824del (p.Ile1608fs)

Genes: PKHD1 (PKHD1 ciliary IPT domain containing fibrocystin/polyductin; minus strand), LOC126859690 (MED14-independent group 3 enhancer GRCh37_chr6:51888848-51890047; plus strand). Cytogenetic location: 6p12.2.
Variant type: Deletion.
Coding change: c.4824del on transcript NM_138694.4 (MANE Select); coding-DNA position 4824, one base deleted (T; older notation c.4824delT).
Protein change: p.Ile1608fs; shifts the reading frame from isoleucine 1608.
Molecular consequence: frameshift variant.
Genome position (GRCh38, 1-based): chr6:52,024,986, A deleted on the plus strand (T on the coding strand, the reverse complement: PKHD1 is on the minus strand); the first of 2 consecutive A bases (chr6:52,024,986-52,024,987); deleting either gives the same sequence. VCF-style (leftmost placement, unchanged base first): chr6-52024985-CA-C. GRCh37 (hg19) VCF-style: chr6-51889783-CA-C.
Other names: c.4824del, p.Ile1608fs (NM_170724.3); short protein forms I1608fs.
Identifiers: ClinVar variation 4816677 (VCV004816677.1).

ClinVar aggregate classification (germline): Likely pathogenic (1 of 4 stars; one submission).

Conditions:
Autosomal recessive polycystic kidney disease (ARPKD). Also called: AR polycystic kidney disease. Identifiers: Orphanet 731, Orphanet 8378, MedGen C0085548, MeSH D017044, MONDO:0009889.

Submission:

Natera, Inc.
Classification: Likely pathogenic for Autosomal recessive polycystic kidney disease. Last evaluated: 2025-09-22. Review status: criteria provided, single submitter. Criteria: Natera Variant Classification Schema (03/2026). Collection method: clinical testing. Allele origin: germline.
Comment: The c.4824del variant in PKHD1 is a frameshift variant predicted to shift the reading frame beginning at codon 1608 and leads to a stop codon 7 codons downstream. This variant is expected to result in nonsense mediated decay, truncation, or a dysfunctional protein product. This variant is rare in the general population with a frequency below the threshold expected for the associated phenotype(s). Given the available evidence, this variant is classified as Likely Pathogenic.